The following is an entry in ClinVar:

NM_000059.4(BRCA2):c.5848G>A (p.Val1950Ile)

Gene: BRCA2 (BRCA2 DNA repair associated; plus strand). Cytogenetic location: 13q13.1.
Variant type: single nucleotide variant.
Coding change: c.5848G>A on transcript NM_000059.4 (MANE Select); coding-DNA position 5848, G replaced by A.
Protein change: p.Val1950Ile; replaces valine 1950 with isoleucine.
Molecular consequence: missense variant.
Genome position (GRCh38, 1-based): chr13:32,340,203, G>A. VCF-style: chr13-32340203-G-A. GRCh37 (hg19) VCF-style: chr13-32914340-G-A.
Other names: short protein forms V1950I.
Identifiers: ClinVar variation 126080 (VCV000126080.5), dbSNP rs80358813, ClinGen allele CA023298.
Genomic context (GRCh38, chr13:32,340,203, plus strand): 5'-TTACAACATAACCAAAATATGTCTGGATTGGAGAAAGTTTCTAAAATATCACCTTGTGAT[G>A]TTAGTTTGGAAACTTCAGATATATGTAAATGTAGTATAGGGAAGCTTCATAAGTCAGTCT-3'
Protein context (NP_000050.3, residues 1940-1960): EKVSKISPCD[Val1950Ile]SLETSDICKC

ClinVar aggregate classification (germline): Conflicting classifications of pathogenicity. Review status: criteria provided, conflicting classifications (1 of 4 stars). 3 submissions from 3 submitters: Uncertain significance (1); Likely benign (1). 1 of the submissions does not count toward it. Last evaluated 2025-06-30.

Conditions:
Hereditary cancer-predisposing syndrome. Also called: Tumor predisposition; Hereditary Cancer Syndrome; Neoplastic Syndromes, Hereditary; Hereditary neoplastic syndrome. Identifiers: Orphanet 140162, MedGen C0027672, MeSH D009386, MONDO:0015356.
Hereditary breast ovarian cancer syndrome. Also called: Hereditary breast and ovarian cancer; Hereditary breast and/or ovarian cancer syndrome; BRCA1- and BRCA2-Associated Hereditary Breast and Ovarian Cancer; Hereditary breast and ovarian cancer syndrome; Hereditary breast and ovarian cancer syndrome (HBOC); Breast and ovarian cancer. Identifiers: Orphanet 145, MedGen C0677776, MeSH D061325, MONDO:0003582. Disease mechanism: loss of function.
Breast-ovarian cancer, familial, susceptibility to, 2 (BROVCA2). Also called: BRCA2 Hereditary Breast and Ovarian Cancer. Identifiers: Orphanet 145, MedGen C2675520, MONDO:0012933, OMIM 612555. Disease mechanism: loss of function.

Submissions (3):

Labcorp Genetics (formerly Invitae), Labcorp
Classification: Uncertain significance for Hereditary breast ovarian cancer syndrome. Last evaluated: 2025-06-30. Review status: criteria provided, single submitter. Criteria: Invitae Variant Classification Sherloc (09022015). Collection method: clinical testing. Allele origin: germline.
Comment: This sequence change replaces valine, which is neutral and non-polar, with isoleucine, which is neutral and non-polar, at codon 1950 of the BRCA2 protein (p.Val1950Ile). This variant is not present in population databases (gnomAD no frequency). This variant has not been reported in the literature in individuals affected with BRCA2-related conditions. ClinVar contains an entry for this variant (Variation ID: 126080). Invitae Evidence Modeling of protein sequence and biophysical properties (such as structural, functional, and spatial information, amino acid conservation, physicochemical variation, residue mobility, and thermodynamic stability) indicates that this missense variant is not expected to disrupt BRCA2 protein function with a negative predictive value of 95%. In summary, the available evidence is currently insufficient to determine the role of this variant in disease. Therefore, it has been classified as a Variant of Uncertain Significance.

University of Washington Department of Laboratory Medicine, University of Washington
Classification: Likely benign for Hereditary cancer-predisposing syndrome. Last evaluated: 2023-03-23. Review status: criteria provided, single submitter. Criteria: Dines et al. (Genet Med. 2020). Collection method: curation. Allele origin: germline.
Comment: Missense variant in a coldspot region where missense variants are very unlikely to be pathogenic (PMID:31911673).

BRCA2 exon 11 coldspot. Reclassification based on statistical prior probability.

Breast Cancer Information Core (BIC) (BRCA2)
Classification: Uncertain significance for Breast-ovarian cancer, familial 2. Review status: no assertion criteria provided. Collection method: clinical testing. Allele origin: germline. Affected: yes. Observed: 1 variant allele. Not counted in ClinVar's aggregate classification.